The following is an entry in ClinVar:

ClinVar aggregate classification (germline): Uncertain significance. Review status: criteria provided, multiple submitters, no conflicts (2 of 4 stars). 2 submissions from 2 submitters: Uncertain significance (2). Last evaluated 2023-02-17.

Submissions (2):

GeneDx
Classification: Uncertain significance. Last evaluated: 2023-02-17. Review status: criteria provided, single submitter. Criteria: GeneDx Variant Classification Process June 2021. Collection method: clinical testing. Allele origin: germline. Affected: yes.
Comment: Not observed at significant frequency in large population cohorts (gnomAD); In silico analysis supports that this missense variant has a deleterious effect on protein structure/function; Has not been previously published as pathogenic or benign to our knowledge

CeGaT Center for Human Genetics Tuebingen
Classification: Uncertain significance. Last evaluated: 2022-04-01. Review status: criteria provided, single submitter. Criteria: CeGaT Center For Human Genetics Tuebingen Variant Classification Criteria Version 2. Collection method: clinical testing. Allele origin: germline. Affected: yes. Observed: 1 variant allele.
Comment: ATP1A3: PM2, PP2, PP3

NM_152296.5(ATP1A3):c.2555C>G (p.Ala852Gly)

Gene: ATP1A3 (ATPase Na+/K+ transporting subunit alpha 3; minus strand). Cytogenetic location: 19q13.2.
Variant type: single nucleotide variant.
Coding change: c.2555C>G on transcript NM_152296.5 (MANE Select); coding-DNA position 2555, C replaced by G.
Protein change: p.Ala852Gly; replaces alanine 852 with glycine.
Molecular consequence: missense variant.
Genome position (GRCh38, 1-based): chr19:41,969,568, G>C on the plus strand (C>G on the coding strand, the complement: ATP1A3 is on the minus strand). VCF-style: chr19-41969568-G-C. GRCh37 (hg19) VCF-style: chr19-42473720-G-C.
Other names: c.2588C>G, p.Ala863Gly (NM_001256213.2); c.2594C>G, p.Ala865Gly (NM_001256214.2); c.2555C>G (NM_152296.4); short protein forms A852G, A863G, A865G.
Identifiers: ClinVar variation 1694921 (VCV001694921.32), dbSNP rs2075080038, ClinGen allele CA406038351.